The following is an entry in ClinVar:

NM_032608.7(MYO18B):c.4711G>T (p.Ala1571Ser)

Genes: MYO18B (myosin XVIIIB; plus strand), MYO18B-AS1 (MYO18B antisense RNA 1; minus strand). Cytogenetic location: 22q12.1.
Variant type: single nucleotide variant.
Coding change: c.4711G>T on transcript NM_032608.7 (MANE Select); coding-DNA position 4711, G replaced by T.
Protein change: p.Ala1571Ser; replaces alanine 1571 with serine.
Molecular consequence: missense variant.
Genome position (GRCh38, 1-based): chr22:25,898,349, G>T. VCF-style: chr22-25898349-G-T. GRCh37 (hg19) VCF-style: chr22-26294316-G-T.
Other names: c.4714G>T, p.Ala1572Ser (NM_001318245.2); short protein forms A1571S, A1572S.
Identifiers: ClinVar variation 1700516 (VCV001700516.6), dbSNP rs1320928556, ClinGen allele CA411010658.

ClinVar aggregate classification (germline): Uncertain significance. Review status: criteria provided, multiple submitters, no conflicts (2 of 4 stars). 3 submissions from 3 submitters: Uncertain significance (3). Last evaluated 2025-08-21.

Conditions:
Inborn genetic diseases. Identifiers: MedGen C0950123, MeSH D030342.

Allele frequency attached by ClinVar (database versions not stated): gnomAD exomes below 0.00001; TOPMed below 0.00001.

Submissions (3):

Ambry Genetics
Classification: Uncertain significance for Inborn genetic diseases. Last evaluated: 2025-08-21. Review status: criteria provided, single submitter. Criteria: Ambry Variant Classification Scheme 2023. Collection method: clinical testing. Allele origin: germline.

GeneDx
Classification: Uncertain significance. Last evaluated: 2023-04-07. Review status: criteria provided, single submitter. Criteria: GeneDx Variant Classification Process June 2021. Collection method: clinical testing. Allele origin: germline. Affected: yes.
Comment: Not observed at significant frequency in large population cohorts (gnomAD); In silico analysis supports that this missense variant does not alter protein structure/function; Has not been previously published as pathogenic or benign to our knowledge

Labcorp Genetics (formerly Invitae), Labcorp
Classification: Uncertain significance. Last evaluated: 2022-07-23. Review status: criteria provided, single submitter. Criteria: Invitae Variant Classification Sherloc (09022015). Collection method: clinical testing. Allele origin: germline.
Comment: This variant has not been reported in the literature in individuals affected with MYO18B-related conditions. In summary, the available evidence is currently insufficient to determine the role of this variant in disease. Therefore, it has been classified as a Variant of Uncertain Significance. Algorithms developed to predict the effect of missense changes on protein structure and function output the following: SIFT: "Not Available"; PolyPhen-2: "Possibly Damaging"; Align-GVGD: "Not Available". The serine amino acid residue is found in multiple mammalian species, which suggests that this missense change does not adversely affect protein function. This variant is not present in population databases (gnomAD no frequency). This sequence change replaces alanine, which is neutral and non-polar, with serine, which is neutral and polar, at codon 1571 of the MYO18B protein (p.Ala1571Ser).